The following is an entry in ClinVar:

ClinVar aggregate classification (germline): Uncertain significance (1 of 4 stars; one submission).

Conditions:
Diffuse cerebral and cerebellar atrophy - intractable seizures - progressive microcephaly syndrome. Also called: Microcephaly, progressive, with seizures and cerebral and cerebellar atrophy. Identifiers: Orphanet 404437, MedGen C4014239, MONDO:0014335, OMIM 615760.

Allele frequency attached by ClinVar (database versions not stated): gnomAD exomes below 0.00001; ExAC 0.00001.
gnomAD v4.1: 1 of 1,614,194 alleles (0.000062%); highest among the groups gnomAD compares: Admixed American, 0.0017%; no homozygotes.

Submission:

Labcorp Genetics (formerly Invitae), Labcorp
Classification: Uncertain significance for Diffuse cerebral and cerebellar atrophy - intractable seizures - progressive microcephaly syndrome. Last evaluated: 2021-04-16. Review status: criteria provided, single submitter. Criteria: Invitae Variant Classification Sherloc (09022015). Collection method: clinical testing. Allele origin: germline.
Comment: In summary, the available evidence is currently insufficient to determine the role of this variant in disease. Therefore, it has been classified as a Variant of Uncertain Significance. Algorithms developed to predict the effect of missense changes on protein structure and function are either unavailable or do not agree on the potential impact of this missense change (SIFT: "Tolerated"; PolyPhen-2: "Possibly Damaging"; Align-GVGD: "Class C0"). This variant has not been reported in the literature in individuals with QARS-related conditions. This variant is present in population databases (rs780618692, ExAC 0.009%). This sequence change replaces arginine with glycine at codon 67 of the QARS protein (p.Arg67Gly). The arginine residue is weakly conserved and there is a moderate physicochemical difference between arginine and glycine.

NM_005051.3(QARS1):c.199C>G (p.Arg67Gly)

Gene: QARS1 (glutaminyl-tRNA synthetase 1; minus strand). Cytogenetic location: 3p21.31.
Variant type: single nucleotide variant.
Coding change: c.199C>G on transcript NM_005051.3 (MANE Select); coding-DNA position 199, C replaced by G.
Protein change: p.Arg67Gly; replaces arginine 67 with glycine.
Molecular consequence: missense variant. On other transcripts: non-coding transcript variant (1).
Genome position (GRCh38, 1-based): chr3:49,104,390, G>C on the plus strand (C>G on the coding strand, the complement: QARS1 is on the minus strand). VCF-style: chr3-49104390-G-C. GRCh37 (hg19) VCF-style: chr3-49141823-G-C.
Other names: c.199C>G, p.Arg67Gly (NM_001272073.2); short protein forms R67G.
Identifiers: ClinVar variation 1483223 (VCV001483223.8), dbSNP rs780618692, ClinGen allele CA2392276.